The following is an entry in ClinVar:

ClinVar aggregate classification (germline): Uncertain significance. Review status: criteria provided, multiple submitters, no conflicts (2 of 4 stars). 9 submissions from 9 submitters: Uncertain significance (9). Last evaluated 2026-01-18.

Conditions:
Ectopia lentis 1, isolated, autosomal dominant (ECTOL1). Identifiers: Orphanet 1885, MedGen C3541518, MONDO:0007514, OMIM 129600.
Stiff skin syndrome (SSKS). Identifiers: Orphanet 2833, MedGen C1861456, MONDO:0008492, OMIM 184900.
MASS syndrome (OCTD). Also called: MASS PHENOTYPE; OVERLAP CONNECTIVE TISSUE DISEASE. Identifiers: MedGen C1858556, MONDO:0011431, OMIM 604308.
Acromicric dysplasia (ACMICD). Also called: Acromicric skeletal dysplasia. Identifiers: Orphanet 969, MedGen C0265287, MONDO:0007055, OMIM 102370.
Marfan syndrome (MFS). Also called: Marfan syndrome type 1; Marfan's syndrome; FBN1-Related Marfan Syndrome; MARFAN SYNDROME, TYPE I; Marfan syndrome, classic. Identifiers: Orphanet 284963, Orphanet 558, MedGen C0024796, MONDO:0007947, OMIM 154700.
Weill-Marchesani syndrome 2, dominant. Also called: Weill-Marchesani Syndrome, Autosomal Dominant; FBN1-Related Weill-Marchesani Syndrome. Identifiers: Orphanet 2084, MedGen C1869115, MONDO:0012013, OMIM 608328.
Geleophysic dysplasia 2 (GPHYSD2). Identifiers: Orphanet 2623, MedGen C3280054, MONDO:0013612, OMIM 614185.
Progeroid and marfanoid aspect-lipodystrophy syndrome. Also called: MARFANOID-PROGEROID SYNDROME; MARFAN-PROGEROID-LIPODYSTROPHY SYNDROME; Marfan lipodystrophy syndrome; MARFANOID-PROGEROID-LIPODYSTROPHY SYNDROME. Identifiers: Orphanet 300382, MedGen C4310796, MONDO:0014831, OMIM 616914.
Familial thoracic aortic aneurysm and aortic dissection (TAAD). Also called: Thoracic aortic aneurysms and dissections. Identifiers: Orphanet 91387, MedGen C4707243, MONDO:0019625.

Allele frequency attached by ClinVar (database versions not stated): gnomAD exomes below 0.00001; ExAC 0.00001; TOPMed 0.00002; gnomAD 0.00004 and 0.00005.
gnomAD v4.1: 13 of 1,613,910 alleles (0.00081%); highest among the groups gnomAD compares: African/African-American, 0.0067%; no homozygotes.

Submissions (9):

Labcorp Genetics (formerly Invitae), Labcorp
Classification: Uncertain significance for Marfan syndrome; Familial thoracic aortic aneurysm and aortic dissection. Last evaluated: 2026-01-18. Review status: criteria provided, single submitter. Criteria: Invitae Variant Classification Sherloc (09022015). Collection method: clinical testing. Allele origin: germline.
Comment: This sequence change replaces arginine, which is basic and polar, with cysteine, which is neutral and slightly polar, at codon 1388 of the FBN1 protein (p.Arg1388Cys). This variant is present in population databases (rs770860280, gnomAD 0.007%). This missense change has been observed in individual(s) with FBN1-related conditions (PMID: 34422331). ClinVar contains an entry for this variant (Variation ID: 926775). Invitae Evidence Modeling of protein sequence and biophysical properties (such as structural, functional, and spatial information, amino acid conservation, physicochemical variation, residue mobility, and thermodynamic stability) indicates that this missense variant is expected to disrupt FBN1 protein function with a positive predictive value of 95%. In summary, the available evidence is currently insufficient to determine the role of this variant in disease. Therefore, it has been classified as a Variant of Uncertain Significance.

Ambry Genetics
Classification: Uncertain significance for Familial thoracic aortic aneurysm and aortic dissection. Last evaluated: 2025-05-28. Review status: criteria provided, single submitter. Criteria: Ambry Variant Classification Scheme 2023. Collection method: clinical testing. Allele origin: germline.
Comment: The p.R1388C variant (also known as c.4162C>T), located in coding exon 33 of the FBN1 gene, results from a C to T substitution at nucleotide position 4162. The arginine at codon 1388 is replaced by cysteine, an amino acid with highly dissimilar properties. The majority of FBN1 mutations identified to date have involved the substitution or generation of cysteine residues within cbEGF domains (Vollbrandt T et al. J Biol Chem. 2004;279(31):32924-32931). This variant was reported in individual(s) with features consistent with thoracic aortic aneurysm and dissection (TAAD) (Chen ZR et al. J Thorac Dis, 2021 Jul;13:4008-4022). This amino acid position is well conserved in available vertebrate species. In addition, this alteration is predicted to be deleterious by in silico analysis. Based on the available evidence, the clinical significance of this variant remains unclear.

Color Diagnostics, LLC DBA Color Health
Classification: Uncertain significance for Familial thoracic aortic aneurysm and aortic dissection. Last evaluated: 2024-09-30. Review status: criteria provided, single submitter. Criteria: ACMG Guidelines, 2015. Collection method: clinical testing. Allele origin: germline.
Comment: This missense variant replaces arginine with cysteine at codon 1388 in an EGF-like calcium-binding domain of the FBN1 protein. Computational prediction tools indicate that this variant has a deleterious impact on protein structure and function. Cysteine creating variants in cbEGF-like domains have been shown to affect protein stability and are overrepresented among patients with Marfan syndrome (PMID: 15161917, 16571647, 17701892). To our knowledge, functional studies have not been reported for this variant. This variant has been reported in an individual affected with sporadic Stanford type A aortic dissection (PMID: 34422331). This variant has been identified in 1/251310 chromosomes in the general population by the Genome Aggregation Database (gnomAD). The available evidence is insufficient to determine the role of this variant in disease conclusively. Therefore, this variant is classified as a Variant of Uncertain Significance.

All of Us Research Program, National Institutes of Health
Classification: Uncertain significance for Marfan syndrome. Last evaluated: 2023-12-18. Review status: criteria provided, single submitter. Criteria: ACMG Guidelines, 2015. Collection method: clinical testing. Allele origin: germline. Inheritance: Autosomal dominant inheritance. Observed: 5 variant alleles, 5 heterozygotes.
Comment: This variant generates a cysteine residue in a calcium-binding EGF-like domain of the FBN1 protein. Cysteine creating variants in these domains have been shown to affect protein stability and are overrepresented among individuals with Marfan syndrome (PMID: 15161917, 16571647, 17701892). Computational prediction suggests that this variant may have deleterious impact on protein structure and function (internally defined REVEL score threshold >= 0.7, PMID: 27666373). To our knowledge, functional studies have not been reported for this variant. This variant has been reported in in individual affected with sporadic Stanford type A aortic dissection (PMID: 34422331). This variant has been identified in 1/251310 chromosomes in the general population by the Genome Aggregation Database (gnomAD). The available evidence is insufficient to determine the role of this variant in disease conclusively. Therefore, this variant is classified as a Variant of Uncertain Significance.

This study involves interpretation of variants in research participants for the purpose of population health screening. Participant phenotype was not available at the time of variant classification. Additional details can be found in publication PMID: 35346344, PMCID: PMC8962531

CHEO Genetics Diagnostic Laboratory, Children's Hospital of Eastern Ontario
Classification: Uncertain significance for Familial thoracic aortic aneurysm and aortic dissection. Last evaluated: 2023-03-16. Review status: criteria provided, single submitter. Criteria: ACMG Guidelines, 2015. Collection method: clinical testing. Allele origin: germline.

Foundation for Research in Genetics and Endocrinology, FRIGE's Institute of Human Genetics
Classification: Uncertain significance for Progeroid and marfanoid aspect-lipodystrophy syndrome. Last evaluated: 2022-10-11. Review status: criteria provided, single submitter. Criteria: ACMG Guidelines, 2015. Collection method: clinical testing. Allele origin: germline. Inheritance: Autosomal dominant inheritance. Affected: yes. Observed: 1 heterozygote.
Comment: A heterozygous variation in exon 34 of the FBN1 gene that results in the amino acid substitution of Cysteine for Arginine at codon 4162 was detected. The observed variant c.4162C>T (p.Arg1388Cys) has a minor allele frequency of 0.0007% in the 1000 genomes and gnomAD databases. The in silico prediction of the variant is damaging by SIFT, PROVEAN, MutationTaster2 and FATHMM. The reference codon is conserved across species. In summary, the variant meets our criteria to be classified as a variant of uncertain significance.

CeGaT Center for Human Genetics Tuebingen
Classification: Uncertain significance. Last evaluated: 2022-10-01. Review status: criteria provided, single submitter. Criteria: CeGaT Center For Human Genetics Tuebingen Variant Classification Criteria Version 2. Collection method: clinical testing. Allele origin: germline. Affected: yes. Observed: 1 variant allele.
Comment: FBN1: PM1, PM2, PP2

Department of Pathology and Laboratory Medicine, Sinai Health System
Classification: Uncertain significance for Acromicric dysplasia; Ectopia lentis 1, isolated, autosomal dominant; Marfan syndrome; Stiff skin syndrome; MASS syndrome; Weill-Marchesani syndrome 2, dominant; Geleophysic dysplasia 2; Progeroid and marfanoid aspect-lipodystrophy syndrome. Last evaluated: 2022-06-02. Review status: criteria provided, single submitter. Criteria: ACMG Guidelines, 2015. Collection method: research. Allele origin: germline.

Blueprint Genetics
Classification: Uncertain significance. Last evaluated: 2019-06-07. Review status: criteria provided, single submitter. Criteria: ACMG Guidelines, 2015. Collection method: clinical testing. Allele origin: germline.

Literature cited by the submitters: PubMed 34422331 (cited by 4 submitters); PubMed 15161917 (cited by Color Diagnostics, LLC DBA Color Health and All of Us Research Program, National Institutes of Health); PubMed 16571647 (cited by Color Diagnostics, LLC DBA Color Health and All of Us Research Program, National Institutes of Health); PubMed 17701892 (cited by Color Diagnostics, LLC DBA Color Health and All of Us Research Program, National Institutes of Health).

NM_000138.5(FBN1):c.4162C>T (p.Arg1388Cys)

Gene: FBN1 (fibrillin 1; minus strand). Cytogenetic location: 15q21.1.
Variant type: single nucleotide variant.
Coding change: c.4162C>T on transcript NM_000138.5 (MANE Select); coding-DNA position 4162, C replaced by T.
Protein change: p.Arg1388Cys; replaces arginine 1388 with cysteine.
Molecular consequence: missense variant.
Genome position (GRCh38, 1-based): chr15:48,474,303, G>A on the plus strand (C>T on the coding strand, the complement: FBN1 is on the minus strand). VCF-style: chr15-48474303-G-A. GRCh37 (hg19) VCF-style: chr15-48766500-G-A.
Other names: p.Arg1388Cys; short protein forms R1388C.
Identifiers: ClinVar variation 926775 (VCV000926775.40), dbSNP rs770860280, ClinGen allele CA052126.